The following is an entry in ClinVar:

NM_000059.4(BRCA2):c.6450del (p.Val2151fs)

Gene: BRCA2 (BRCA2 DNA repair associated; plus strand). Cytogenetic location: 13q13.1.
Variant type: Deletion.
Coding change: c.6450del on transcript NM_000059.4 (MANE Select); coding-DNA position 6450, one base deleted (A; older notation c.6450delA).
Protein change: p.Val2151fs; shifts the reading frame from valine 2151.
Molecular consequence: frameshift variant.
Genome position (GRCh38, 1-based): chr13:32,340,805, A deleted; the last of 3 consecutive A bases (chr13:32,340,803-32,340,805); deleting any one gives the same sequence. VCF-style (leftmost placement, unchanged base first): chr13-32340802-TA-T. GRCh37 (hg19) VCF-style: chr13-32914939-TA-T.
Other names: c.6450delA (NM_000059.3); c.6450del (NM_000059.3); short protein forms V2151fs.
Identifiers: ClinVar variation 254583 (VCV000254583.18), dbSNP rs80359594, ClinGen allele CA10586558.

ClinVar aggregate classification (germline): Pathogenic. Review status: reviewed by expert panel (3 of 4 stars). 5 submissions from 5 submitters: Pathogenic (1). 4 of the submissions do not count toward it. Last evaluated 2016-09-08.

Conditions:
Hereditary cancer-predisposing syndrome. Also called: Tumor predisposition; Hereditary Cancer Syndrome; Neoplastic Syndromes, Hereditary; Hereditary neoplastic syndrome. Identifiers: Orphanet 140162, MedGen C0027672, MeSH D009386, MONDO:0015356.
Hereditary breast ovarian cancer syndrome. Also called: Hereditary breast and ovarian cancer; Breast and ovarian cancer; Hereditary breast and/or ovarian cancer syndrome; BRCA1- and BRCA2-Associated Hereditary Breast and Ovarian Cancer; Hereditary breast and ovarian cancer syndrome; Hereditary breast and ovarian cancer syndrome (HBOC). Identifiers: Orphanet 145, MedGen C0677776, MeSH D061325, MONDO:0003582. Disease mechanism: loss of function.
Breast-ovarian cancer, familial, susceptibility to, 2 (BROVCA2). Also called: BRCA2 Hereditary Breast and Ovarian Cancer. Identifiers: Orphanet 145, MedGen C2675520, MONDO:0012933, OMIM 612555. Disease mechanism: loss of function.

Submissions (5):

Evidence-based Network for the Interpretation of Germline Mutant Alleles (ENIGMA)
Classification: Pathogenic for Breast-ovarian cancer, familial, susceptibility to, 2. Last evaluated: 2016-09-08. Review status: reviewed by expert panel. Criteria: ENIGMA BRCA1/2 Classification Criteria (2015). Collection method: curation. Allele origin: germline.
Comment: Variant allele predicted to encode a truncated non-functional protein.

Labcorp Genetics (formerly Invitae), Labcorp
Classification: Pathogenic for Hereditary breast ovarian cancer syndrome. Last evaluated: 2025-09-16. Review status: criteria provided, single submitter. Criteria: Invitae Variant Classification Sherloc (09022015). Collection method: clinical testing. Allele origin: germline. Not counted in ClinVar's aggregate classification.
Comment: This sequence change creates a premature translational stop signal (p.Val2151Phefs*17) in the BRCA2 gene. It is expected to result in an absent or disrupted protein product. Loss-of-function variants in BRCA2 are known to be pathogenic (PMID: 20104584). This variant is not present in population databases (gnomAD no frequency). This premature translational stop signal has been observed in individual(s) with breast and/or ovarian cancer (PMID: 26824983, 26997744, 30702160). ClinVar contains an entry for this variant (Variation ID: 254583). For these reasons, this variant has been classified as Pathogenic.

Ambry Genetics
Classification: Pathogenic for Hereditary cancer-predisposing syndrome. Last evaluated: 2024-08-16. Review status: criteria provided, single submitter. Criteria: Ambry Variant Classification Scheme 2023. Collection method: clinical testing. Allele origin: germline. Not counted in ClinVar's aggregate classification.
Comment: The c.6450delA pathogenic mutation, located in coding exon 10 of the BRCA2 gene, results from a deletion of one nucleotide at nucleotide position 6450, causing a translational frameshift with a predicted alternate stop codon (p.V2151Ffs*17). This variant is considered to be rare based on population cohorts in the Genome Aggregation Database (gnomAD). In addition to the clinical data presented in the literature, this alteration is expected to result in loss of function by premature protein truncation or nonsense-mediated mRNA decay. As such, this alteration is interpreted as a disease-causing mutation.

Women's Health and Genetics/Laboratory Corporation of America, LabCorp
Classification: Pathogenic for Hereditary breast ovarian cancer syndrome. Last evaluated: 2022-04-06. Review status: criteria provided, single submitter. Criteria: LabCorp Variant Classification Summary - May 2015. Collection method: clinical testing. Allele origin: germline. Not counted in ClinVar's aggregate classification.
Comment: Variant summary: BRCA2 c.6450delA (p.Val2151PhefsX17) results in a premature termination codon, predicted to cause a truncation of the encoded protein or absence of the protein due to nonsense mediated decay, which are commonly known mechanisms for disease. Truncations downstream of this position have been classified as pathogenic by our laboratory. The variant was absent in 230766 control chromosomes. c.6450delA has been reported in the literature in individuals affected with Hereditary Breast And Ovarian Cancer Syndrome (example, Lin_2016, Henouda_2016, Laitman_2019, Bhaskaran_2019). Two clinical diagnostic laboratories and an expert panel (ENIGMA) have submitted clinical-significance assessments for this variant to ClinVar after 2014 without evidence for independent evaluation. All submitters classified the variant as pathogenic. Based on the evidence outlined above, the variant was classified as pathogenic.

GeneDx
Classification: Pathogenic. Last evaluated: 2022-01-05. Review status: criteria provided, single submitter. Criteria: GeneDx Variant Classification Process June 2021. Collection method: clinical testing. Allele origin: germline. Affected: yes. Not counted in ClinVar's aggregate classification.
Comment: Frameshift variant predicted to result in protein truncation or nonsense mediated decay in a gene for which loss-of-function is a known mechanism of disease; Not observed at significant frequency in large population cohorts (gnomAD); Truncating variants in this gene are considered pathogenic by a well-established clinical consortium and/or database; Also known as 6678delA; Observed in individuals with a personal history of breast cancer (Henouda 2016, Lin 2016); This variant is associated with the following publications: (PMID: 26824983, 30702160, 32719484, 31825140, 26997744)

Literature cited by the submitters: PubMed 20104584 (cited by Labcorp Genetics (formerly Invitae), Labcorp); PubMed 26824983 (cited by 3 submitters); PubMed 26997744 (cited by 3 submitters); PubMed 30702160 (cited by 3 submitters); PubMed 31209999 (cited by Ambry Genetics and Women's Health and Genetics/Laboratory Corporation of America, LabCorp); PubMed 31825140 (cited by Ambry Genetics).